The following is an entry in ClinVar:

ClinVar aggregate classification (germline): Conflicting classifications of pathogenicity. Review status: criteria provided, conflicting classifications (1 of 4 stars). 3 submissions from 3 submitters: Uncertain significance (1); Likely benign (2). Last evaluated 2026-01-28.

Conditions:
ALPK3-related disorder. Also called: ALPK3-related condition.
Cardiovascular phenotype. Identifiers: MedGen CN230736.

Allele frequency attached by ClinVar (database versions not stated): gnomAD exomes 0.00002 and 0.00017; gnomAD 0.00006; TOPMed 0.00008; ExAC 0.00016.

Submissions (3):

PreventionGenetics, part of Exact Sciences
Classification: Likely benign for ALPK3-related condition. Last evaluated: 2026-01-28. Review status: criteria provided, single submitter. Criteria: ACMG Guidelines, 2015. Collection method: clinical testing. Allele origin: germline.
Comment: This variant is classified as likely benign based on ACMG/AMP sequence variant interpretation guidelines (Richards et al. 2015 PMID: 25741868, with internal and published modifications).

Labcorp Genetics (formerly Invitae), Labcorp
Classification: Likely benign. Last evaluated: 2025-10-30. Review status: criteria provided, single submitter. Criteria: Invitae Variant Classification Sherloc (09022015). Collection method: clinical testing. Allele origin: germline.

Ambry Genetics
Classification: Uncertain significance for Cardiovascular phenotype. Last evaluated: 2024-04-26. Review status: criteria provided, single submitter. Criteria: Ambry Variant Classification Scheme 2023. Collection method: clinical testing. Allele origin: germline.
Comment: The p.E523G variant (also known as c.1568A>G), located in coding exon 5 of the ALPK3 gene, results from an A to G substitution at nucleotide position 1568. The glutamic acid at codon 523 is replaced by glycine, an amino acid with similar properties. This amino acid position is conserved. In addition, this alteration is predicted to be tolerated by in silico analysis. Based on the available evidence, the clinical significance of this variant remains unclear.

NM_020778.5(ALPK3):c.962A>G (p.Glu321Gly)

Gene: ALPK3 (alpha kinase 3; plus strand). Cytogenetic location: 15q25.3.
Variant type: single nucleotide variant.
Coding change: c.962A>G on transcript NM_020778.5 (MANE Select); coding-DNA position 962, A replaced by G.
Protein change: p.Glu321Gly; replaces glutamic acid 321 with glycine.
Molecular consequence: missense variant.
Genome position (GRCh38, 1-based): chr15:84,840,241, A>G. VCF-style: chr15-84840241-A-G. GRCh37 (hg19) VCF-style: chr15-85383472-A-G.
Other names: c.1568A>G (NM_020778.4); short protein forms E321G.
Identifiers: ClinVar variation 1582379 (VCV001582379.10), dbSNP rs764430950, ClinGen allele CA7709100.